The following is an entry in ClinVar:

NM_025233.7(COASY):c.548C>T (p.Ser183Phe)

Gene: COASY (Coenzyme A synthase; plus strand). Cytogenetic location: 17q21.2.
Variant type: single nucleotide variant.
Coding change: c.548C>T on transcript NM_025233.7 (MANE Select); coding-DNA position 548, C replaced by T.
Protein change: p.Ser183Phe; replaces serine 183 with phenylalanine.
Molecular consequence: missense variant.
Genome position (GRCh38, 1-based): chr17:42,563,170, C>T. VCF-style: chr17-42563170-C-T. GRCh37 (hg19) VCF-style: chr17-40715188-C-T.
Other names: c.548C>T, p.Ser183Phe (NM_001042529.3); c.635C>T, p.Ser212Phe (NM_001042532.4); short protein forms S212F, S183F.
Identifiers: ClinVar variation 1516387 (VCV001516387.6), dbSNP rs535796292, ClinGen allele CA8578001.

ClinVar aggregate classification (germline): Uncertain significance. Review status: criteria provided, multiple submitters, no conflicts (2 of 4 stars). 2 submissions from 2 submitters: Uncertain significance (2). Last evaluated 2022-06-07.

Conditions:
Neurodegeneration with brain iron accumulation 6 (NBIA6). Also called: COASY protein-associated neurodegeneration. Identifiers: Orphanet 397725, MedGen C4517377, MONDO:0014290, OMIM 615643.

Allele frequency attached by ClinVar (database versions not stated): gnomAD exomes 0.00001; ExAC 0.00002; 1000 Genomes Project 30x 0.00016; 1000 Genomes Project 0.00020.
gnomAD v4.1: 16 of 1,613,972 alleles (0.00099%); highest among the groups gnomAD compares: African/African-American, 0.019%; no homozygotes.

Submissions (2):

Labcorp Genetics (formerly Invitae), Labcorp
Classification: Uncertain significance for Neurodegeneration with brain iron accumulation 6. Last evaluated: 2022-06-07. Review status: criteria provided, single submitter. Criteria: Invitae Variant Classification Sherloc (09022015). Collection method: clinical testing. Allele origin: germline.
Comment: In summary, the available evidence is currently insufficient to determine the role of this variant in disease. Therefore, it has been classified as a Variant of Uncertain Significance. Algorithms developed to predict the effect of missense changes on protein structure and function are either unavailable or do not agree on the potential impact of this missense change (SIFT: "Deleterious"; PolyPhen-2: "Benign"; Align-GVGD: "Class C0"). This variant has not been reported in the literature in individuals affected with COASY-related conditions. This variant is present in population databases (rs535796292, gnomAD 0.004%). This sequence change replaces serine, which is neutral and polar, with phenylalanine, which is neutral and non-polar, at codon 183 of the COASY protein (p.Ser183Phe).

GeneDx
Classification: Uncertain significance. Last evaluated: 2022-02-16. Review status: criteria provided, single submitter. Criteria: GeneDx Variant Classification Process June 2021. Collection method: clinical testing. Allele origin: germline. Affected: yes.
Comment: Not observed at significant frequency in large population cohorts (gnomAD); In silico analysis supports that this missense variant does not alter protein structure/function; Has not been previously published as pathogenic or benign to our knowledge